The following is an entry in ClinVar:

NM_005732.4(RAD50):c.2896C>A (p.Gln966Lys)

Gene: RAD50 (RAD50 double strand break repair protein; plus strand). Cytogenetic location: 5q31.1.
Variant type: single nucleotide variant.
Coding change: c.2896C>A on transcript NM_005732.4 (MANE Select); coding-DNA position 2896, C replaced by A.
Protein change: p.Gln966Lys; replaces glutamine 966 with lysine.
Molecular consequence: missense variant.
Genome position (GRCh38, 1-based): chr5:132,609,183, C>A. VCF-style: chr5-132609183-C-A. GRCh37 (hg19) VCF-style: chr5-131944875-C-A.
Other names: short protein forms Q966K.
Identifiers: ClinVar variation 527367 (VCV000527367.11), dbSNP rs1554099371, ClinGen allele CA360959878.

ClinVar aggregate classification (germline): Uncertain significance. Review status: criteria provided, multiple submitters, no conflicts (2 of 4 stars). 2 submissions from 2 submitters: Uncertain significance (2). Last evaluated 2023-09-30.

Conditions:
Hereditary cancer-predisposing syndrome. Also called: Neoplastic Syndromes, Hereditary; Tumor predisposition; Hereditary Cancer Syndrome; Hereditary neoplastic syndrome. Identifiers: Orphanet 140162, MedGen C0027672, MeSH D009386, MONDO:0015356.

Submissions (2):

Labcorp Genetics (formerly Invitae), Labcorp
Classification: Uncertain significance for Hereditary cancer-predisposing syndrome. Last evaluated: 2023-09-30. Review status: criteria provided, single submitter. Criteria: Invitae Variant Classification Sherloc (09022015). Collection method: clinical testing. Allele origin: germline.
Comment: Advanced modeling of protein sequence and biophysical properties (such as structural, functional, and spatial information, amino acid conservation, physicochemical variation, residue mobility, and thermodynamic stability) performed at Invitae indicates that this missense variant is not expected to disrupt RAD50 protein function. In summary, the available evidence is currently insufficient to determine the role of this variant in disease. Therefore, it has been classified as a Variant of Uncertain Significance. ClinVar contains an entry for this variant (Variation ID: 527367). This variant has not been reported in the literature in individuals affected with RAD50-related conditions. This variant is not present in population databases (gnomAD no frequency). This sequence change replaces glutamine, which is neutral and polar, with lysine, which is basic and polar, at codon 966 of the RAD50 protein (p.Gln966Lys).

Ambry Genetics
Classification: Uncertain significance for Hereditary cancer-predisposing syndrome. Last evaluated: 2022-04-26. Review status: criteria provided, single submitter. Criteria: Ambry Variant Classification Scheme 2023. Collection method: clinical testing. Allele origin: germline.
Comment: The p.Q966K variant (also known as c.2896C>A), located in coding exon 18 of the RAD50 gene, results from a C to A substitution at nucleotide position 2896. The glutamine at codon 966 is replaced by lysine, an amino acid with similar properties. This amino acid position is conserved. In addition, this alteration is predicted to be tolerated by in silico analysis. Since supporting evidence is limited at this time, the clinical significance of this alteration remains unclear.